The following is an entry in ClinVar:

NM_032043.3(BRIP1):c.2507_2508del (p.Arg836fs)

Gene: BRIP1 (BRCA1 interacting DNA helicase 1; minus strand). Cytogenetic location: 17q23.2.
Variant type: Deletion.
Coding change: c.2507_2508del on transcript NM_032043.3 (MANE Select); coding-DNA positions 2507 to 2508, 2 bases deleted (GA; older notation c.2507_2508delGA).
Protein change: p.Arg836fs; shifts the reading frame from arginine 836.
Molecular consequence: frameshift variant.
Genome position (GRCh38, 1-based): chr17:61,693,497-61,693,498, TC deleted on the plus strand (GA on the coding strand, the reverse complement: BRIP1 is on the minus strand); deleting any 2 consecutive bases within chr17:61,693,497-61,693,499 gives the same sequence; the c. name uses the placement nearest the transcript's 3' end. VCF-style (leftmost placement, unchanged base first): chr17-61693496-TTC-T. GRCh37 (hg19) VCF-style: chr17-59770857-TTC-T.
Other names: c.2507_2508delGA (NM_032043.2); short protein forms R836fs.
Identifiers: ClinVar variation 856022 (VCV000856022.11), dbSNP rs2061478781, ClinGen allele CA916081911.

ClinVar aggregate classification (germline): Pathogenic. Review status: criteria provided, multiple submitters, no conflicts (2 of 4 stars). 3 submissions from 3 submitters: Pathogenic (3). Last evaluated 2023-09-28.

Conditions:
Hereditary cancer-predisposing syndrome. Also called: Hereditary neoplastic syndrome; Tumor predisposition; Neoplastic Syndromes, Hereditary; Hereditary Cancer Syndrome. Identifiers: Orphanet 140162, MedGen C0027672, MeSH D009386, MONDO:0015356.
Fanconi anemia complementation group J. Also called: BRIP1-Related Fanconi Anemia. Identifiers: Orphanet 84, MedGen C1836860, MONDO:0012187, OMIM 609054.
Familial cancer of breast. Also called: hereditary breast carcinoma; BREAST CANCER, FAMILIAL; Hereditary breast cancer. Identifiers: Orphanet 227535, MedGen C0346153, MONDO:0016419, OMIM 114480. Disease mechanism: loss of function.

Submissions (3):

Ambry Genetics
Classification: Pathogenic for Hereditary cancer-predisposing syndrome. Last evaluated: 2023-09-28. Review status: criteria provided, single submitter. Criteria: Ambry Variant Classification Scheme 2023. Collection method: clinical testing. Allele origin: germline.
Comment: The c.2507_2508delGA pathogenic mutation, located in coding exon 17 of the BRIP1 gene, results from a deletion of two nucleotides at nucleotide positions 2507 to 2508, causing a translational frameshift with a predicted alternate stop codon (p.R836Kfs*2). This variant is considered to be rare based on population cohorts in the Genome Aggregation Database (gnomAD). This alteration is expected to result in loss of function by premature protein truncation or nonsense-mediated mRNA decay. As such, this alteration is interpreted as a disease-causing mutation.

Myriad Genetics, Inc.
Classification: Pathogenic for Familial cancer of breast. Last evaluated: 2023-06-07. Review status: criteria provided, single submitter. Criteria: Myriad Autosomal Dominant, Autosomal Recessive and X-Linked Classification Criteria (2023). Collection method: clinical testing. Allele origin: unknown.
Comment: This variant is considered pathogenic. This variant creates a frameshift predicted to result in premature protein truncation.

Labcorp Genetics (formerly Invitae), Labcorp
Classification: Pathogenic for Familial cancer of breast; Fanconi anemia complementation group J. Last evaluated: 2023-03-13. Review status: criteria provided, single submitter. Criteria: Invitae Variant Classification Sherloc (09022015). Collection method: clinical testing. Allele origin: germline.
Comment: For these reasons, this variant has been classified as Pathogenic. ClinVar contains an entry for this variant (Variation ID: 856022). This premature translational stop signal has been observed in individual(s) with ovarian cancer (PMID: 26315354). This variant is not present in population databases (gnomAD no frequency). This sequence change creates a premature translational stop signal (p.Arg836Lysfs*2) in the BRIP1 gene. It is expected to result in an absent or disrupted protein product. Loss-of-function variants in BRIP1 are known to be pathogenic (PMID: 16116423, 17033622, 21964575).

Literature cited by the submitters: PubMed 26315354 (cited by Labcorp Genetics (formerly Invitae), Labcorp); PubMed 16116423 (cited by Labcorp Genetics (formerly Invitae), Labcorp); PubMed 17033622 (cited by Labcorp Genetics (formerly Invitae), Labcorp); PubMed 21964575 (cited by Labcorp Genetics (formerly Invitae), Labcorp).